The following is an entry in ClinVar:

ClinVar aggregate classification (germline): Conflicting classifications of pathogenicity. Review status: criteria provided, conflicting classifications (1 of 4 stars). 6 submissions from 6 submitters: Uncertain significance (5); Likely benign (1). Last evaluated 2026-02-02.

Conditions:
Tuberous sclerosis syndrome (TSC). Also called: Tuberous sclerosis; Tuberous Sclerosis Complex. Identifiers: Orphanet 805, MedGen C0041341, MONDO:0001734.
Tuberous sclerosis 2 (TSC2). Identifiers: Orphanet 805, MedGen C1860707, MONDO:0013199, OMIM 613254.
Hereditary cancer-predisposing syndrome. Also called: Neoplastic Syndromes, Hereditary; Hereditary Cancer Syndrome; Tumor predisposition; Hereditary neoplastic syndrome. Identifiers: Orphanet 140162, MedGen C0027672, MeSH D009386, MONDO:0015356.

Allele frequency attached by ClinVar (database versions not stated): gnomAD exomes below 0.00001 and 0.00001; gnomAD 0.00001 and 0.00002; TOPMed 0.00001; ESP Exome Variant Server 0.00008.
gnomAD v4.1: 16 of 1,613,072 alleles (0.00099%); highest among the groups gnomAD compares: South Asian, 0.0011%; no homozygotes.

Submissions (6):

Labcorp Genetics (formerly Invitae), Labcorp
Classification: Likely benign for Tuberous sclerosis 2. Last evaluated: 2026-02-02. Review status: criteria provided, single submitter. Criteria: Invitae Variant Classification Sherloc (09022015). Collection method: clinical testing. Allele origin: germline.

Color Diagnostics, LLC DBA Color Health
Classification: Uncertain significance for Tuberous sclerosis syndrome. Last evaluated: 2025-08-28. Review status: criteria provided, single submitter. Criteria: ACMG Guidelines, 2015. Collection method: clinical testing. Allele origin: germline.
Comment: This missense variant replaces proline with leucine at codon 874 of the TSC2 protein. Computational prediction suggests that this variant may have deleterious impact on protein structure and function. To our knowledge, functional studies have not been reported for this variant. This variant has not been reported in individuals affected with TSC2-related disorders in the literature. This variant has been identified in 3/282016 chromosomes in the general population by the Genome Aggregation Database (gnomAD). The available evidence is insufficient to determine the role of this variant in disease conclusively. Therefore, this variant is classified as a Variant of Uncertain Significance.

3billion
Classification: Uncertain significance for Tuberous sclerosis 2. Last evaluated: 2025-08-01. Review status: criteria provided, single submitter. Criteria: ACMG Guidelines, 2015. Collection method: clinical testing. Allele origin: germline. Affected: yes.
Comment: The variant is observed at an extremely low frequency in the gnomAD v4.1.0 dataset (total allele frequency: <0.001%). Predicted Consequence/Location: Missense variant. The majority of the known disease-causing variants of this gene are variants expected to result in premature termination of the protein. In silico tool predictions suggest damaging effect of the variant on gene or gene product [REVEL: 0.91 (>=0.6, sensitivity 0.68 and specificity 0.92); 3Cnet: 0.84 (> 0.75, sensitivity 0.96 and precision 0.92)]. The variant has been reported as of uncertain significance (ClinVar ID: VCV000486642; PMID: 28191889). Different missense changes at the same codon have been reported as of uncertain significance (ClinVar ID: VCV001362010). Therefore, this variant is classified as VUS according to the recommendation of ACMG/AMP guideline.

Ambry Genetics
Classification: Uncertain significance for Hereditary cancer-predisposing syndrome. Last evaluated: 2024-02-27. Review status: criteria provided, single submitter. Criteria: Ambry Variant Classification Scheme 2023. Collection method: clinical testing. Allele origin: germline.
Comment: The p.P874L variant (also known as c.2621C>T), located in coding exon 22 of the TSC2 gene, results from a C to T substitution at nucleotide position 2621. The proline at codon 874 is replaced by leucine, an amino acid with similar properties. This amino acid position is highly conserved in available vertebrate species. In addition, this alteration is predicted to be deleterious by in silico analysis. Based on the available evidence, the clinical significance of this alteration remains unclear.

All of Us Research Program, National Institutes of Health
Classification: Uncertain significance for Tuberous sclerosis syndrome. Last evaluated: 2023-06-08. Review status: criteria provided, single submitter. Criteria: ACMG Guidelines, 2015. Collection method: clinical testing. Allele origin: germline. Inheritance: Autosomal dominant inheritance. Observed: 1 variant allele, 1 heterozygote.
Comment: This missense variant replaces proline with leucine at codon 874 of the TSC2 protein. Computational prediction suggests that this variant may have deleterious impact on protein structure and function (internally defined REVEL score threshold >= 0.7, PMID: 27666373). To our knowledge, functional studies have not been reported for this variant. This variant has not been reported in individuals affected with tuberous sclerosis complex in the literature. This variant has been identified in 3/282016 chromosomes in the general population by the Genome Aggregation Database (gnomAD). The available evidence is insufficient to determine the role of this variant in disease conclusively. Therefore, this variant is classified as a Variant of Uncertain Significance.

This study involves interpretation of variants in research participants for the purpose of population health screening. Participant phenotype was not available at the time of variant classification. Additional details can be found in publication PMID: 35346344, PMCID: PMC8962531

Genome-Nilou Lab
Classification: Uncertain significance for Tuberous sclerosis 2. Last evaluated: 2021-11-07. Review status: criteria provided, single submitter. Criteria: ACMG Guidelines, 2015. Collection method: clinical testing. Allele origin: germline. Affected: no.

NM_000548.5(TSC2):c.2621C>T (p.Pro874Leu)

Gene: TSC2 (TSC complex subunit 2; plus strand). Cytogenetic location: 16p13.3.
Variant type: single nucleotide variant.
Coding change: c.2621C>T on transcript NM_000548.5 (MANE Select); coding-DNA position 2621, C replaced by T.
Protein change: p.Pro874Leu; replaces proline 874 with leucine.
Molecular consequence: missense variant.
Genome position (GRCh38, 1-based): chr16:2,075,874, C>T. VCF-style: chr16-2075874-C-T. GRCh37 (hg19) VCF-style: chr16-2125875-C-T.
Other names: c.2621C>T, p.Pro874Leu (NM_001077183.3, NM_001114382.3, NM_001363528.2 and 3 more transcripts); c.2510C>T, p.Pro837Leu (NM_001318827.2); c.2474C>T, p.Pro825Leu (NM_001318829.2); c.2021C>T, p.Pro674Leu (NM_001318831.2); c.2654C>T, p.Pro885Leu (NM_001318832.2); short protein forms P874L, P837L, P885L, P825L, P674L.
Identifiers: ClinVar variation 486642 (VCV000486642.19), dbSNP rs138527121, ClinGen allele CA276741554.